The following is an entry in ClinVar:

ClinVar aggregate classification (germline): Likely pathogenic (1 of 4 stars; one submission).

Conditions:
Fanconi anemia (FA). Also called: Fanconi's anemia. Identifiers: Orphanet 84, MedGen C0015625, MeSH D005199, MONDO:0019391.

Submission:

Natera, Inc.
Classification: Likely pathogenic for Fanconi anemia. Last evaluated: 2025-10-02. Review status: criteria provided, single submitter. Criteria: Natera Variant Classification Schema (03/2026). Collection method: clinical testing. Allele origin: germline.
Comment: The c.697del variant in FANCC is a frameshift variant predicted to shift the reading frame beginning at codon 233 and leads to a stop codon 7 codons downstream. This variant is expected to result in nonsense mediated decay, truncation, or a dysfunctional protein product. This variant is rare in the general population with a frequency below the threshold expected for the associated phenotype(s). Given the available evidence, this variant is classified as Likely Pathogenic.

NM_000136.3(FANCC):c.697del (p.Ser233fs)

Genes: AOPEP (aminopeptidase O (putative); plus strand), FANCC (FA complementation group C; minus strand). Cytogenetic location: 9q22.32.
Variant type: Deletion.
Coding change: c.697del on transcript NM_000136.3 (MANE Select); coding-DNA position 697, one base deleted (T; older notation c.697delT).
Protein change: p.Ser233fs; shifts the reading frame from serine 233.
Molecular consequence: frameshift variant.
Genome position (GRCh38, 1-based): chr9:95,135,492, A deleted on the plus strand (T on the coding strand, the reverse complement: FANCC is on the minus strand); the first of 3 consecutive A bases (chr9:95,135,492-95,135,494); deleting any one gives the same sequence. VCF-style (leftmost placement, unchanged base first): chr9-95135491-GA-G. GRCh37 (hg19) VCF-style: chr9-97897773-GA-G.
Other names: c.695delT, p.Ser233Leufs (NM_000136.2); c.697del, p.Ser233fs (NM_001243743.2, NM_001243744.2); short protein forms S233fs.
Identifiers: ClinVar variation 4817553 (VCV004817553.1).